The following is an entry in ClinVar:

ClinVar aggregate classification (germline): Uncertain significance (1 of 4 stars; one submission).

Conditions:
Familial hypocalciuric hypercalcemia (FHH). Also called: Familial benign hypercalcemia. Identifiers: Orphanet 405, MedGen C1809471, MONDO:0018458.
Autosomal dominant hypocalcemia 1 (HYPOC1). Also called: HYPOCALCEMIA, FAMILIAL. Identifiers: MedGen C3715128, MONDO:0011013, OMIM 601198.

Submission:

Labcorp Genetics (formerly Invitae), Labcorp
Classification: Uncertain significance for Familial hypocalciuric hypercalcemia; Autosomal dominant hypocalcemia 1. Last evaluated: 2024-06-03. Review status: criteria provided, single submitter. Criteria: Invitae Variant Classification Sherloc (09022015). Collection method: clinical testing. Allele origin: germline.
Comment: This sequence change replaces valine, which is neutral and non-polar, with leucine, which is neutral and non-polar, at codon 630 of the CASR protein (p.Val630Leu). This variant is not present in population databases (gnomAD no frequency). This variant has not been reported in the literature in individuals affected with CASR-related conditions. ClinVar contains an entry for this variant (Variation ID: 566328). An algorithm developed to predict the effect of missense changes on protein structure and function (PolyPhen-2) suggests that this variant is likely to be disruptive. In summary, the available evidence is currently insufficient to determine the role of this variant in disease. Therefore, it has been classified as a Variant of Uncertain Significance.

NM_000388.4(CASR):c.1888G>C (p.Val630Leu)

Gene: CASR (calcium sensing receptor; plus strand). Cytogenetic location: 3q21.1.
Variant type: single nucleotide variant.
Coding change: c.1888G>C on transcript NM_000388.4 (MANE Select); coding-DNA position 1888, G replaced by C.
Protein change: p.Val630Leu; replaces valine 630 with leucine.
Molecular consequence: missense variant.
Genome position (GRCh38, 1-based): chr3:122,283,842, G>C. VCF-style: chr3-122283842-G-C. GRCh37 (hg19) VCF-style: chr3-122002689-G-C.
Other names: c.1918G>C, p.Val640Leu (NM_001178065.2); short protein forms V630L, V640L.
Identifiers: ClinVar variation 566328 (VCV000566328.10), dbSNP rs1559968392, ClinGen allele CA354157849.